The following is an entry in ClinVar:

ClinVar aggregate classification (germline): Uncertain significance (1 of 4 stars; one submission).

Submission:

Ambry Genetics
Classification: Uncertain significance. Last evaluated: 2025-03-17. Review status: criteria provided, single submitter. Criteria: Ambry Variant Classification Scheme 2023. Collection method: clinical testing. Allele origin: germline.
Comment: The p.G36S variant (also known as c.106G>A), located in coding exon 1 of the ATRIP gene, results from a G to A substitution at nucleotide position 106. The glycine at codon 36 is replaced by serine, an amino acid with similar properties. This amino acid position is conserved. In addition, this alteration is predicted to be tolerated by in silico analysis. Based on the available evidence, the clinical significance of this variant remains unclear.

NM_130384.3(ATRIP):c.106G>A (p.Gly36Ser)

Genes: ATRIP (ATR interacting protein; plus strand), ATRIP-TREX1 (ATRIP-TREX1 readthrough; plus strand), LOC129936703 (ATAC-STARR-seq lymphoblastoid silent region 14331; plus strand). Cytogenetic location: 3p21.31.
Variant type: single nucleotide variant.
Coding change: c.106G>A on transcript NM_130384.3 (MANE Select); coding-DNA position 106, G replaced by A.
Protein change: p.Gly36Ser; replaces glycine 36 with serine.
Molecular consequence: missense variant. On other transcripts: non-coding transcript variant (1), intron variant (1).
Genome position (GRCh38, 1-based): chr3:48,446,951, G>A. VCF-style: chr3-48446951-G-A. GRCh37 (hg19) VCF-style: chr3-48488355-G-A.
Other names: c.106G>A, p.Gly36Ser (NM_032166.4); c.-218+152G>A (NM_001271022.2); short protein forms G36S.
Identifiers: ClinVar variation 3975621 (VCV003975621.1).
Genomic context (GRCh38, chr3:48,446,951, plus strand): 5'-CCGGCGCCTCGCCCCGGCCCGCCGCCGGGCACCGGGCACCCCCCGAGCAAGCGGGCCCGG[G>A]GCTTCTCCGCAGCCGCTGCCCCGGACCCTGACGACCCGTTCGGCGCGCATGGGGACTTCA-3'
Protein context (NP_569055.1, residues 26-46): TGHPPSKRAR[Gly36Ser]FSAAAAPDPD